The following is an entry in ClinVar:

ClinVar aggregate classification (germline): Likely pathogenic (1 of 4 stars; one submission).

Conditions:
Familial hemophagocytic lymphohistiocytosis 3 (FHL3). Also called: UNC13D-Related Familial Hemophagocytic Lymphohistiocytosis (UNC13D-fHLH). Identifiers: Orphanet 540, MedGen C1837174, MONDO:0012146, OMIM 608898.

Submission:

Labcorp Genetics (formerly Invitae), Labcorp
Classification: Likely pathogenic for Familial hemophagocytic lymphohistiocytosis 3. Last evaluated: 2025-11-30. Review status: criteria provided, single submitter. Criteria: Invitae Variant Classification Sherloc (09022015). Collection method: clinical testing. Allele origin: germline.
Comment: This sequence change affects a splice site in intron 29 of the UNC13D gene. It is expected to disrupt RNA splicing. Variants that disrupt the donor or acceptor splice site typically lead to a loss of protein function (PMID: 16199547), and loss-of-function variants in UNC13D are known to be pathogenic (PMID: 14622600). This variant is not present in population databases (gnomAD no frequency). This variant has not been reported in the literature in individuals affected with UNC13D-related conditions. Algorithms developed to predict the effect of sequence changes on RNA splicing suggest that this variant may disrupt the consensus splice site. In summary, the currently available evidence indicates that the variant is pathogenic, but additional data are needed to prove that conclusively. Therefore, this variant has been classified as Likely Pathogenic.

Literature cited by the submitters: PubMed 16199547; PubMed 14622600.

NM_199242.3(UNC13D):c.2831-2_2831-1del

Genes: UNC13D (unc-13 homolog D; minus strand), LOC112533672 (Sharpr-MPRA regulatory region 1193; plus strand). Cytogenetic location: 17q25.1.
Variant type: Deletion.
Coding change: c.2831-2_2831-1del on transcript NM_199242.3 (MANE Select); the canonical splice acceptor site of the intron before coding-DNA position 2831, 2 bases deleted (AG; older notation c.2831-2_2831-1delAG).
Molecular consequence: splice acceptor variant.
Genome position (GRCh38, 1-based): chr17:75,830,152-75,830,153, CT deleted on the plus strand (AG on the coding strand, the reverse complement: UNC13D is on the minus strand). VCF-style (leftmost placement, unchanged base first): chr17-75830151-CCT-C. GRCh37 (hg19) VCF-style: chr17-73826232-CCT-C.
Identifiers: ClinVar variation 4732221 (VCV004732221.1).
Genomic context (GRCh38, chr17:75,830,151, plus strand): 5'-GCCAGCTCAGGGAACTCATGCCTGGGCTCCAAGGTCAGCTGGACAAAGGGGTCGCTGGAG[CCT>C]GGTAAGTGGCCGGGGAGTGTGCGTCAGCTGAGGGTCTCCCAGGCACCCCACCCCAGCAGC-3'